The following is an entry in ClinVar:

ClinVar aggregate classification (germline): Uncertain significance (1 of 4 stars; one submission).

Conditions:
Inborn genetic diseases. Identifiers: MedGen C0950123, MeSH D030342.

Submission:

Ambry Genetics
Classification: Uncertain significance for Inborn genetic diseases. Last evaluated: 2023-10-06. Review status: criteria provided, single submitter. Criteria: Ambry Variant Classification Scheme 2023. Collection method: clinical testing. Allele origin: germline.
Comment: The p.L280I variant (also known as c.838C>A), located in coding exon 4 of the ATR gene, results from a C to A substitution at nucleotide position 838. The leucine at codon 280 is replaced by isoleucine, an amino acid with highly similar properties. This amino acid position is conserved. In addition, this alteration is predicted to be tolerated by in silico analysis. Since supporting evidence is limited at this time, the clinical significance of this alteration remains unclear.

NM_001184.4(ATR):c.838C>A (p.Leu280Ile)

Gene: ATR (ATR checkpoint kinase; minus strand). Cytogenetic location: 3q23.
Variant type: single nucleotide variant.
Coding change: c.838C>A on transcript NM_001184.4 (MANE Select); coding-DNA position 838, C replaced by A.
Protein change: p.Leu280Ile; replaces leucine 280 with isoleucine.
Molecular consequence: missense variant.
Genome position (GRCh38, 1-based): chr3:142,562,564, G>T on the plus strand (C>A on the coding strand, the complement: ATR is on the minus strand). VCF-style: chr3-142562564-G-T. GRCh37 (hg19) VCF-style: chr3-142281406-G-T.
Other names: c.838C>A, p.Leu280Ile (NM_001354579.2); short protein forms L280I.
Identifiers: ClinVar variation 3221305 (VCV003221305.1), dbSNP rs377699114, ClinGen allele CA354825317.